The following is an entry in ClinVar:

NM_024757.5(EHMT1):c.3392A>G (p.Tyr1131Cys)

Gene: EHMT1 (euchromatic histone lysine methyltransferase 1; plus strand). Cytogenetic location: 9q34.3.
Variant type: single nucleotide variant.
Coding change: c.3392A>G on transcript NM_024757.5 (MANE Select); coding-DNA position 3392, A replaced by G.
Protein change: p.Tyr1131Cys; replaces tyrosine 1131 with cysteine.
Molecular consequence: missense variant.
Genome position (GRCh38, 1-based): chr9:137,817,456, A>G. VCF-style: chr9-137817456-A-G. GRCh37 (hg19) VCF-style: chr9-140711908-A-G.
Other names: c.3371A>G, p.Tyr1124Cys (NM_001354263.2); short protein forms Y1131C, Y1124C.
Identifiers: ClinVar variation 645848 (VCV000645848.12), dbSNP rs753933684, ClinGen allele CA5375300.
Genomic context (GRCh38, chr9:137,817,456, plus strand): 5'-CTGAGGCTGTGGCCTGGGTTCACCACTACTCTCTATTTTTCAGGGCAAGGCTGCAGCTCT[A>G]CCGGACGCGGGACATGGGCTGGGGCGTGCGGTCCCTGCAGGACATCCCACCAGGCACCTT-3'
Protein context (NP_079033.4, residues 1121-1141): QNGLRARLQL[Tyr1131Cys]RTRDMGWGVR

ClinVar aggregate classification (germline): Benign/Likely benign. Review status: criteria provided, multiple submitters, no conflicts (2 of 4 stars). 2 submissions from 2 submitters: Benign (1); Likely benign (1). Last evaluated 2025-08-29.

Conditions:
Kleefstra syndrome 1 (KLEFS1). Identifiers: Orphanet 261494, MedGen C0795833, MONDO:0027407, OMIM 610253.

Allele frequency attached by ClinVar (database versions not stated): gnomAD below 0.00001 and 0.00005; TOPMed below 0.00001; gnomAD exomes 0.00004 and 0.00006; ExAC 0.00007.
gnomAD v4.1: 66 of 1,614,054 alleles (0.0041%); highest among the groups gnomAD compares: South Asian, 0.07%; no homozygotes.

Submissions (2):

Labcorp Genetics (formerly Invitae), Labcorp
Classification: Likely benign for Kleefstra syndrome 1. Last evaluated: 2025-08-29. Review status: criteria provided, single submitter. Criteria: Invitae Variant Classification Sherloc (09022015). Collection method: clinical testing. Allele origin: germline.

Laboratory of Genetics, Children's Clinical University Hospital Latvia
Classification: Benign for Kleefstra syndrome 1. Review status: criteria provided, single submitter. Criteria: ACMG Guidelines, 2015. Collection method: curation. Allele origin: germline. Affected: yes.
Comment: Inheritance unknown

Literature cited by the submitters: PubMed 39013458 (cited by Laboratory of Genetics, Children's Clinical University Hospital Latvia).